The following is an entry in ClinVar:

NM_000138.5(FBN1):c.5482G>A (p.Ala1828Thr)

Gene: FBN1 (fibrillin 1; minus strand). Cytogenetic location: 15q21.1.
Variant type: single nucleotide variant.
Coding change: c.5482G>A on transcript NM_000138.5 (MANE Select); coding-DNA position 5482, G replaced by A.
Protein change: p.Ala1828Thr; replaces alanine 1828 with threonine.
Molecular consequence: missense variant.
Genome position (GRCh38, 1-based): chr15:48,452,625, C>T on the plus strand (G>A on the coding strand, the complement: FBN1 is on the minus strand). VCF-style: chr15-48452625-C-T. GRCh37 (hg19) VCF-style: chr15-48744822-C-T.
Other names: short protein forms A1828T.
Identifiers: ClinVar variation 626594 (VCV000626594.8), dbSNP rs1566900504, ClinGen allele CA392344246.

ClinVar aggregate classification (germline): Uncertain significance. Review status: criteria provided, multiple submitters, no conflicts (2 of 4 stars). 3 submissions from 3 submitters: Uncertain significance (3). Last evaluated 2026-03-08.

Conditions:
Familial thoracic aortic aneurysm and aortic dissection (TAAD). Also called: Thoracic aortic aneurysms and dissections. Identifiers: Orphanet 91387, MedGen C4707243, MONDO:0019625.
Marfan syndrome (MFS). Also called: FBN1-Related Marfan Syndrome; Marfan syndrome type 1; Marfan's syndrome; Marfan syndrome, classic; MARFAN SYNDROME, TYPE I. Identifiers: Orphanet 284963, Orphanet 558, MedGen C0024796, MONDO:0007947, OMIM 154700.

Submissions (3):

GeneDx
Classification: Uncertain significance. Last evaluated: 2026-03-08. Review status: criteria provided, single submitter. Criteria: GeneDx Variant Classification Process June 2021. Collection method: clinical testing. Allele origin: germline.
Comment: Has not been previously published as pathogenic or benign to our knowledge; Not observed at significant frequency in large population cohorts (gnomAD); In silico analysis supports that this missense variant does not alter protein structure/function; Although located in a calcium-binding EGF-like domain of the FBN1 gene, it does not affect a cysteine residue within this domain; cysteine substitutions in the calcium-binding EGF-like domains represent the majority of pathogenic missense changes associated with FBN1-related disorders (PMID: 12938084).; This variant is associated with the following publications: (PMID: 12938084)

Labcorp Genetics (formerly Invitae), Labcorp
Classification: Uncertain significance for Marfan syndrome; Familial thoracic aortic aneurysm and aortic dissection. Last evaluated: 2025-12-19. Review status: criteria provided, single submitter. Criteria: Invitae Variant Classification Sherloc (09022015). Collection method: clinical testing. Allele origin: germline.
Comment: This sequence change replaces alanine, which is neutral and non-polar, with threonine, which is neutral and polar, at codon 1828 of the FBN1 protein (p.Ala1828Thr). This variant is not present in population databases (gnomAD no frequency). This missense change has been observed in individual(s) with clinical features of Marfan syndrome (internal data). ClinVar contains an entry for this variant (Variation ID: 626594). Invitae Evidence Modeling of protein sequence and biophysical properties (such as structural, functional, and spatial information, amino acid conservation, physicochemical variation, residue mobility, and thermodynamic stability) has been performed for this missense variant. However, the output from this modeling did not meet the statistical confidence thresholds required to predict the impact of this variant on FBN1 protein function. In summary, the available evidence is currently insufficient to determine the role of this variant in disease. Therefore, it has been classified as a Variant of Uncertain Significance.

CHEO Genetics Diagnostic Laboratory, Children's Hospital of Eastern Ontario
Classification: Uncertain significance for Familial thoracic aortic aneurysm and aortic dissection. Last evaluated: 2017-09-08. Review status: criteria provided, single submitter. Criteria: ACMG Guidelines, 2015. Collection method: clinical testing. Allele origin: germline. Study: Canadian Open Genetics Repository.